The following is an entry in ClinVar:

NM_176869.3(PPA2):c.931G>A (p.Val311Ile)

Gene: PPA2 (inorganic pyrophosphatase 2; minus strand). Cytogenetic location: 4q24.
Variant type: single nucleotide variant.
Coding change: c.931G>A on transcript NM_176869.3 (MANE Select); coding-DNA position 931, G replaced by A.
Protein change: p.Val311Ile; replaces valine 311 with isoleucine.
Molecular consequence: missense variant.
Genome position (GRCh38, 1-based): chr4:105,386,575, C>T on the plus strand (G>A on the coding strand, the complement: PPA2 is on the minus strand). VCF-style: chr4-105386575-C-T. GRCh37 (hg19) VCF-style: chr4-106307732-C-T.
Other names: c.844G>A, p.Val282Ile (NM_006903.4); c.625G>A, p.Val209Ile (NM_176866.2); c.433G>A, p.Val145Ile (NM_176867.3); short protein forms V282I, V311I, V209I, V145I.
Identifiers: ClinVar variation 1374475 (VCV001374475.5), dbSNP rs139739943, ClinGen allele CA3032365.
Genomic context (GRCh38, chr4:105,386,575, plus strand): 5'-CTTCCTATGACATTTATAAGATTAAAGGATGTCTTGGATGTTTGCCCCTTACCGATTCAA[C>T]TAATGATCTTGCTTCCTCTTGAGTGCAACGGAAAGGGCTATCAGATATCTGCACGTTTGT-3'
Protein context (NP_789845.1, residues 301-321): RCTQEEARSL[Val311Ile]ESVSSSPNKE

ClinVar aggregate classification (germline): Uncertain significance (1 of 4 stars; one submission).

Allele frequency attached by ClinVar (database versions not stated): gnomAD exomes 0.00002 and 0.00006; gnomAD 0.00004 and 0.00005; ExAC 0.00007; TOPMed 0.00009; ESP Exome Variant Server 0.00015.
gnomAD v4.1: 22 of 1,611,048 alleles (0.0014%); highest among the groups gnomAD compares: African/African-American, 0.012%; no homozygotes.

Submission:

Labcorp Genetics (formerly Invitae), Labcorp
Classification: Uncertain significance. Last evaluated: 2022-07-26. Review status: criteria provided, single submitter. Criteria: Invitae Variant Classification Sherloc (09022015). Collection method: clinical testing. Allele origin: germline.
Comment: This sequence change replaces valine, which is neutral and non-polar, with isoleucine, which is neutral and non-polar, at codon 311 of the PPA2 protein (p.Val311Ile). This variant is present in population databases (rs139739943, gnomAD 0.03%). This variant has not been reported in the literature in individuals affected with PPA2-related conditions. ClinVar contains an entry for this variant (Variation ID: 1374475). Algorithms developed to predict the effect of missense changes on protein structure and function (SIFT, PolyPhen-2, Align-GVGD) all suggest that this variant is likely to be tolerated. In summary, the available evidence is currently insufficient to determine the role of this variant in disease. Therefore, it has been classified as a Variant of Uncertain Significance.